The following is an entry in ClinVar:

ClinVar aggregate classification (germline): Likely benign. Review status: criteria provided, multiple submitters, no conflicts (2 of 4 stars). 3 submissions from 3 submitters: Likely benign (2). 1 of the submissions does not count toward it. Last evaluated 2024-09-10.

Conditions:
Nephronophthisis. Also called: Juvenile Nephronophthisis. Identifiers: Orphanet 655, MedGen C0687120, MONDO:0019005, HP:0000090.
NPHP1-related disorder. Also called: NPHP1-related condition; NPHP1-related disorders.

Allele frequency attached by ClinVar (database versions not stated): gnomAD 0.00001; gnomAD exomes 0.00001 and 0.00003; ExAC 0.00003.

Submissions (3):

Blueprint Genetics
Classification: Likely benign. Last evaluated: 2024-09-10. Review status: criteria provided, single submitter. Criteria: ACMG Guidelines, 2015. Collection method: clinical testing. Allele origin: germline.

Labcorp Genetics (formerly Invitae), Labcorp
Classification: Likely benign for Nephronophthisis. Last evaluated: 2021-11-11. Review status: criteria provided, single submitter. Criteria: Invitae Variant Classification Sherloc (09022015). Collection method: clinical testing. Allele origin: germline.

PreventionGenetics, part of Exact Sciences
Classification: Likely benign for NPHP1-related condition. Last evaluated: 2024-09-18. Review status: no assertion criteria provided. Collection method: clinical testing. Allele origin: germline. Not counted in ClinVar's aggregate classification.
Comment: This variant is classified as likely benign based on ACMG/AMP sequence variant interpretation guidelines (Richards et al. 2015 PMID: 25741868, with internal and published modifications).

NM_001128178.3(NPHP1):c.2010T>C (p.Gly670=)

Gene: NPHP1 (nephrocystin 1; minus strand). Cytogenetic location: 2q13.
Variant type: single nucleotide variant.
Coding change: c.2010T>C on transcript NM_001128178.3 (MANE Select); coding-DNA position 2010, T replaced by C.
Protein change: p.Gly670=; no amino-acid change (glycine 670 retained).
Molecular consequence: synonymous variant. On other transcripts: 3 prime UTR variant (1).
Genome position (GRCh38, 1-based): chr2:110,123,815, A>G on the plus strand (T>C on the coding strand, the complement: NPHP1 is on the minus strand). VCF-style: chr2-110123815-A-G. GRCh37 (hg19) VCF-style: chr2-110881392-A-G.
Other names: c.2178T>C, p.Gly726= (NM_000272.5); c.1821T>C, p.Gly607= (NM_001128179.3); c.2007T>C, p.Gly669= (NM_001374256.1); c.*252T>C (NM_001374257.1); c.2175T>C, p.Gly725= (NM_207181.4); c.2178T>C (NM_000272.3).
Identifiers: ClinVar variation 1549768 (VCV001549768.10), dbSNP rs759211123, ClinGen allele CA1826832.